The following is an entry in ClinVar:

ClinVar aggregate classification (germline): Pathogenic. Review status: criteria provided, single submitter (1 of 4 stars). 2 submissions from 2 submitters: Pathogenic (1). 1 of the submissions does not count toward it. Last evaluated 2024-11-08.

Conditions:
Tuberous sclerosis syndrome (TSC). Also called: Tuberous Sclerosis Complex; Tuberous sclerosis. Identifiers: Orphanet 805, MedGen C0041341, MONDO:0001734.
Tuberous sclerosis 1 (TSC1). Identifiers: Orphanet 805, MedGen C1854465, MONDO:0008612, OMIM 191100.

Submissions (2):

Labcorp Genetics (formerly Invitae), Labcorp
Classification: Pathogenic for Tuberous sclerosis 1. Last evaluated: 2024-11-08. Review status: criteria provided, single submitter. Criteria: Invitae Variant Classification Sherloc (09022015). Collection method: clinical testing. Allele origin: germline.
Comment: This sequence change affects an acceptor splice site in intron 4 of the TSC1 gene. It is expected to disrupt RNA splicing. Variants that disrupt the donor or acceptor splice site typically lead to a loss of protein function (PMID: 16199547), and loss-of-function variants in TSC1 are known to be pathogenic (PMID: 10227394, 17304050). This variant is not present in population databases (gnomAD no frequency). Disruption of this splice site has been observed in individual(s) with tuberous sclerosis complex (PMID: 10227394, 11112665; internal data). In at least one individual the variant was observed to be de novo. ClinVar contains an entry for this variant (Variation ID: 64762). Algorithms developed to predict the effect of sequence changes on RNA splicing suggest that this variant may disrupt the consensus splice site. For these reasons, this variant has been classified as Pathogenic.

Tuberous sclerosis database (TSC1)
No classification provided. Condition: TSC. Review status: no classification provided. Criteria: Tuberous Sclerosis Database Assertion Criteria 2015. Collection method: curation. Allele origin: germline. Affected: yes. Not counted in ClinVar's aggregate classification.

Literature cited by the submitters: PubMed 16199547 (cited by Labcorp Genetics (formerly Invitae), Labcorp); PubMed 10227394 (cited by Labcorp Genetics (formerly Invitae), Labcorp); PubMed 17304050 (cited by Labcorp Genetics (formerly Invitae), Labcorp); PubMed 11112665 (cited by Labcorp Genetics (formerly Invitae), Labcorp).

NM_000368.5(TSC1):c.211-1G>T

Gene: TSC1 (TSC complex subunit 1; minus strand). Cytogenetic location: 9q34.13.
Variant type: single nucleotide variant.
Coding change: c.211-1G>T on transcript NM_000368.5 (MANE Select); the canonical splice acceptor site of the intron before coding-DNA position 211, G replaced by T.
Molecular consequence: splice acceptor variant. On other transcripts: intron variant (5).
Genome position (GRCh38, 1-based): chr9:132,925,740, C>A on the plus strand (G>T on the coding strand, the complement: TSC1 is on the minus strand). VCF-style: chr9-132925740-C-A. GRCh37 (hg19) VCF-style: chr9-135801127-C-A.
Other names: c.211-1G>T (NM_001406592.1, NM_001406600.1, NM_001406595.1 and 16 more transcripts); c.-153-1G>T (NM_001406619.1, NM_001406622.1, NM_001362177.2 and 5 more transcripts); c.-245-1G>T (NM_001406614.1, NM_001406624.1, NM_001406616.1); c.210+1461G>T (NM_001406611.1, NM_001162427.2, NM_001406613.1 and 2 more transcripts); c.-667-1G>T (NM_001406628.1, NM_001406626.1, NM_001406627.1); c.-883-1G>T (NM_001406630.1); c.-278-1G>T (NM_001406623.1, NM_001406615.1); c.-809-1G>T (NM_001406629.1).
Identifiers: ClinVar variation 64762 (VCV000064762.11), dbSNP rs118203353, ClinGen allele CA006049.